The following is an entry in ClinVar:

NM_000238.4(KCNH2):c.400G>T (p.Glu134Ter)

Gene: KCNH2 (potassium voltage-gated channel subfamily H member 2; minus strand). Cytogenetic location: 7q36.1.
Variant type: single nucleotide variant.
Coding change: c.400G>T on transcript NM_000238.4 (MANE Select); coding-DNA position 400, G replaced by T.
Protein change: p.Glu134Ter; replaces glutamic acid 134 with a stop codon.
Molecular consequence: nonsense.
Genome position (GRCh38, 1-based): chr7:150,959,644, C>A on the plus strand (G>T on the coding strand, the complement: KCNH2 is on the minus strand). VCF-style: chr7-150959644-C-A. GRCh37 (hg19) VCF-style: chr7-150656732-C-A.
Other names: c.112G>T, p.Glu38Ter (NM_001406753.1, NM_001406756.1); c.223G>T, p.Glu75Ter (NM_001406755.1); c.100G>T, p.Glu34Ter (NM_001406757.1); c.400G>T, p.Glu134Ter (NM_172056.3); short protein forms E134*, E34*, E38*, E75*.
Identifiers: ClinVar variation 1683770 (VCV001683770.2), dbSNP rs2117011952, ClinGen allele CA369863736.

ClinVar aggregate classification (germline): Likely pathogenic (1 of 4 stars; one submission).

Conditions:
Long QT syndrome 2 (LQT2). Identifiers: Orphanet 101016, Orphanet 768, MedGen C3150943, MONDO:0013367, OMIM 613688.

Submission:

Laboratorio de Genetica e Diagnostico Molecular, Hospital Israelita Albert Einstein
Classification: Likely pathogenic for Long QT syndrome 2. Last evaluated: 2021-07-22. Review status: criteria provided, single submitter. Criteria: ACMG Guidelines, 2015. Collection method: clinical testing. Allele origin: germline. Affected: yes.
Comment: ACMG classification criteria: PVS1 very strong, PM2 moderate